The following is an entry in ClinVar:

ClinVar aggregate classification (germline): Conflicting classifications of pathogenicity. Review status: criteria provided, conflicting classifications (1 of 4 stars). 8 submissions from 8 submitters: Uncertain significance (7); Benign (1). Last evaluated 2026-07-08.

Conditions:
PIEZO1-related disorder. Also called: PIEZO1-Related Disorders; PIEZO1-related condition.
Inborn genetic diseases. Identifiers: MedGen C0950123, MeSH D030342.

Allele frequency attached by ClinVar (database versions not stated): gnomAD exomes 0.00016; ExAC 0.00017; 1000 Genomes Project 0.00060; 1000 Genomes Project 30x 0.00078; TOPMed 0.00079.
gnomAD v4.1: 195 of 1,549,710 alleles (0.013%); highest among the groups gnomAD compares: African/African-American, 0.22%; no homozygotes.

Submissions (8):

PreventionGenetics, part of Exact Sciences
Classification: Uncertain significance for PIEZO1-related condition. Last evaluated: 2026-07-08. Review status: criteria provided, single submitter. Criteria: ACMG Guidelines, 2015. Collection method: clinical testing. Allele origin: germline.
Comment: The PIEZO1 c.2744A>G variant is predicted to result in the amino acid substitution p.Asn915Ser. This variant has been reported in the heterozygous state in an individual with severe hemolytic anemia (Fustino et al. 2024. PubMed ID: 39138932). This variant is reported in 0.24% of alleles in individuals of African descent in gnomAD. At this time, the clinical significance of this variant is uncertain due to the absence of conclusive functional and genetic evidence.

Labcorp Genetics (formerly Invitae), Labcorp
Classification: Benign. Last evaluated: 2025-12-19. Review status: criteria provided, single submitter. Criteria: Invitae Variant Classification Sherloc (09022015). Collection method: clinical testing. Allele origin: germline.

Blueprint Genetics
Classification: Uncertain significance. Last evaluated: 2024-11-13. Review status: criteria provided, single submitter. Criteria: ACMG Guidelines, 2015. Collection method: clinical testing. Allele origin: germline.

Revvity Omics, Revvity
Classification: Uncertain significance. Last evaluated: 2024-08-28. Review status: criteria provided, single submitter. Criteria: ACMG Guidelines, 2015. Collection method: clinical testing. Allele origin: germline.

ARUP Laboratories, Molecular Genetics and Genomics, ARUP Laboratories
Classification: Uncertain significance. Last evaluated: 2024-08-23. Review status: criteria provided, single submitter. Criteria: ARUP Molecular Germline Variant Investigation Process 2024. Collection method: clinical testing. Allele origin: germline.
Comment: The PIEZO1 c.2744A>G; p.Asn915Ser variant (rs543115615), to our knowledge, is not reported in the medical literature but is reported in ClinVar (Variation ID: 1162800). This variant is found predominantly in the African/African-American population with an allele frequency of 0.23% (39/16492 alleles) in the Genome Aggregation Database (v2.1.1). Computational analyses predict that this variant is neutral (REVEL: 0.04). While the high population frequency suggests that this is likely a benign variant, given the lack of clinical and functional data, the significance of this variant is uncertain at this time.

Ambry Genetics
Classification: Uncertain significance for Inborn genetic diseases. Last evaluated: 2023-04-08. Review status: criteria provided, single submitter. Criteria: Ambry Variant Classification Scheme 2023. Collection method: clinical testing. Allele origin: germline.

Mayo Clinic Laboratories, Mayo Clinic
Classification: Uncertain significance. Last evaluated: 2023-02-14. Review status: criteria provided, single submitter. Criteria: ACMG Guidelines, 2015. Collection method: clinical testing. Allele origin: germline. Observed: 3 variant alleles.

GeneDx
Classification: Uncertain significance. Last evaluated: 2022-06-01. Review status: criteria provided, single submitter. Criteria: GeneDx Variant Classification Process June 2021. Collection method: clinical testing. Allele origin: germline. Affected: yes.
Comment: Has not been previously published as pathogenic or benign to our knowledge; In silico analysis supports that this missense variant does not alter protein structure/function

NM_001142864.4(PIEZO1):c.2744A>G (p.Asn915Ser)

Genes: HSALR1 (HSP90AB1 associated lncRNA 1; plus strand), PIEZO1 (piezo type mechanosensitive ion channel component 1 (Er blood group); minus strand). Cytogenetic location: 16q24.3.
Variant type: single nucleotide variant.
Coding change: c.2744A>G on transcript NM_001142864.4 (MANE Select); coding-DNA position 2744, A replaced by G.
Protein change: p.Asn915Ser; replaces asparagine 915 with serine.
Molecular consequence: missense variant.
Genome position (GRCh38, 1-based): chr16:88,732,653, T>C on the plus strand (A>G on the coding strand, the complement: PIEZO1 is on the minus strand). VCF-style: chr16-88732653-T-C. GRCh37 (hg19) VCF-style: chr16-88799061-T-C.
Other names: c.2744A>G (NM_001142864.3); short protein forms N915S.
Identifiers: ClinVar variation 1162800 (VCV001162800.17), dbSNP rs543115615, ClinGen allele CA8232716.